The following is an entry in ClinVar:

NM_144997.7(FLCN):c.211T>C (p.Ser71Pro)

Gene: FLCN (folliculin; minus strand). Cytogenetic location: 17p11.2.
Variant type: single nucleotide variant.
Coding change: c.211T>C on transcript NM_144997.7 (MANE Select); coding-DNA position 211, T replaced by C.
Protein change: p.Ser71Pro; replaces serine 71 with proline.
Molecular consequence: missense variant.
Genome position (GRCh38, 1-based): chr17:17,227,927, A>G on the plus strand (T>C on the coding strand, the complement: FLCN is on the minus strand). VCF-style: chr17-17227927-A-G. GRCh37 (hg19) VCF-style: chr17-17131241-A-G.
Other names: c.211T>C, p.Ser71Pro (NM_001353230.2, NM_001353231.2, NM_144606.7 and 1 more transcripts); short protein forms S71P.
Identifiers: ClinVar variation 1786234 (VCV001786234.3), dbSNP rs763369657, ClinGen allele CA8416493.

ClinVar aggregate classification (germline): Uncertain significance. Review status: criteria provided, multiple submitters, no conflicts (2 of 4 stars). 2 submissions from 2 submitters: Uncertain significance (2). Last evaluated 2024-06-04.

Conditions:
Hereditary cancer-predisposing syndrome. Also called: Tumor predisposition; Neoplastic Syndromes, Hereditary; Hereditary Cancer Syndrome; Hereditary neoplastic syndrome. Identifiers: Orphanet 140162, MedGen C0027672, MeSH D009386, MONDO:0015356.
Birt-Hogg-Dube syndrome. Also called: Birt Hogg Dubé syndrome. Identifiers: Orphanet 122, MedGen C0346010, MONDO:0800444.

Allele frequency attached by ClinVar (database versions not stated): gnomAD exomes below 0.00001; ExAC 0.00001.
gnomAD v4.1: 1 of 1,613,960 alleles (0.000062%); highest among the groups gnomAD compares: Non-Finnish European, 0.000085%; no homozygotes.

Submissions (2):

Labcorp Genetics (formerly Invitae), Labcorp
Classification: Uncertain significance for Birt-Hogg-Dube syndrome. Last evaluated: 2024-06-04. Review status: criteria provided, single submitter. Criteria: Invitae Variant Classification Sherloc (09022015). Collection method: clinical testing. Allele origin: germline.
Comment: This sequence change replaces serine, which is neutral and polar, with proline, which is neutral and non-polar, at codon 71 of the FLCN protein (p.Ser71Pro). This variant is present in population databases (rs763369657, gnomAD 0.0009%). This variant has not been reported in the literature in individuals affected with FLCN-related conditions. ClinVar contains an entry for this variant (Variation ID: 1786234). Advanced modeling of protein sequence and biophysical properties (such as structural, functional, and spatial information, amino acid conservation, physicochemical variation, residue mobility, and thermodynamic stability) performed at Invitae indicates that this missense variant is not expected to disrupt FLCN protein function with a negative predictive value of 80%. In summary, the available evidence is currently insufficient to determine the role of this variant in disease. Therefore, it has been classified as a Variant of Uncertain Significance.

Ambry Genetics
Classification: Uncertain significance for Hereditary cancer-predisposing syndrome. Last evaluated: 2024-03-06. Review status: criteria provided, single submitter. Criteria: Ambry Variant Classification Scheme 2023. Collection method: clinical testing. Allele origin: germline.
Comment: The p.S71P variant (also known as c.211T>C), located in coding exon 1 of the FLCN gene, results from a T to C substitution at nucleotide position 211. The serine at codon 71 is replaced by proline, an amino acid with similar properties. This amino acid position is not well conserved in available vertebrate species. In addition, the in silico prediction for this alteration is inconclusive. Since supporting evidence is limited at this time, the clinical significance of this alteration remains unclear.